The following is an entry in ClinVar:

NM_015702.3(MMADHC):c.373-5C>A

Gene: MMADHC (metabolism of cobalamin associated D; minus strand). Cytogenetic location: 2q23.2.
Variant type: single nucleotide variant.
Coding change: c.373-5C>A on transcript NM_015702.3 (MANE Select); 5 bases into the intron before coding-DNA position 373, C replaced by A.
Molecular consequence: intron variant.
Genome position (GRCh38, 1-based): chr2:149,576,547, G>T on the plus strand (C>A on the coding strand, the complement: MMADHC is on the minus strand). VCF-style: chr2-149576547-G-T. GRCh37 (hg19) VCF-style: chr2-150433061-G-T.
Identifiers: ClinVar variation 2201045 (VCV002201045.1), dbSNP rs750271404, ClinGen allele CA1902419.

ClinVar aggregate classification (germline): Uncertain significance (1 of 4 stars; one submission).

Conditions:
Methylmalonic aciduria and homocystinuria type cblD (MAHCD). Also called: METHYLMALONIC ACIDEMIA, cblH TYPE; Methylmalonic aciduria with homocystinuria cblD type. Identifiers: Orphanet 622, Orphanet 79283, MedGen C1848552, MONDO:0010185, OMIM 277410.

Allele frequency attached by ClinVar (database versions not stated): gnomAD 0.00005; TOPMed 0.00007.
gnomAD v4.1: 23 of 1,591,622 alleles (0.0014%); highest among the groups gnomAD compares: East Asian, 0.047%; no homozygotes.

Submission:

Labcorp Genetics (formerly Invitae), Labcorp
Classification: Uncertain significance for Methylmalonic aciduria and homocystinuria type cblD. Last evaluated: 2021-10-24. Review status: criteria provided, single submitter. Criteria: Invitae Variant Classification Sherloc (09022015). Collection method: clinical testing. Allele origin: germline.
Comment: This sequence change falls in intron 4 of the MMADHC gene. It does not directly change the encoded amino acid sequence of the MMADHC protein. This variant is present in population databases (rs750271404, ExAC 0.08%). This variant has not been reported in the literature in individuals with MMADHC-related disease. Algorithms developed to predict the effect of sequence changes on RNA splicing suggest that this variant may disrupt the consensus splice site, but this prediction has not been confirmed by published transcriptional studies. In summary, the available evidence is currently insufficient to determine the role of this variant in disease. Therefore, it has been classified as a Variant of Uncertain Significance.